The following is an entry in ClinVar:

NM_001267550.2(TTN):c.14472A>G (p.Ile4824Met)

Gene: TTN (titin; minus strand). Cytogenetic location: 2q31.2.
Variant type: single nucleotide variant.
Coding change: c.14472A>G on transcript NM_001267550.2 (MANE Select); coding-DNA position 14472, A replaced by G.
Protein change: p.Ile4824Met; replaces isoleucine 4824 with methionine.
Molecular consequence: missense variant. On other transcripts: intron variant (3).
Genome position (GRCh38, 1-based): chr2:178,735,974, T>C on the plus strand (A>G on the coding strand, the complement: TTN is on the minus strand). VCF-style: chr2-178735974-T-C. GRCh37 (hg19) VCF-style: chr2-179600701-T-C.
Other names: p.I4507M:ATA>ATG; c.13521A>G, p.Ile4507Met (NM_001256850.1); c.10740A>G, p.Ile3580Met (NM_133378.4); c.13282+2108A>G (NM_003319.4); c.13858+2108A>G (NM_133437.4); c.13657+2108A>G (NM_133432.3); short protein forms I4507M, I4824M, I3580M.
Identifiers: ClinVar variation 203236 (VCV000203236.2), dbSNP rs794729603, ClinGen allele CA311767.
Genomic context (GRCh38, chr2:178,735,974, plus strand): 5'-GGAAATCCTCCAGTTAGGTGAAGGTGAGAGTGCAGCACCATCTTTCTGCCAAATGGTTTC[T>C]ATCACAGGAGTCCCTGTCACTGTGCAGATGAACTTGGCTGCCTTACCCACAAAAGTTGTA-3'
Protein context (NP_001254479.2, residues 4814-4834): FICTVTGTPV[Ile4824Met]ETIWQKDGAA

ClinVar aggregate classification (germline): Uncertain significance (1 of 4 stars; one submission).

Submission:

GeneDx
Classification: Uncertain significance. Last evaluated: 2014-04-16. Review status: criteria provided, single submitter. Criteria: GeneDx Variant Classification (06012015). Collection method: clinical testing. Allele origin: germline. Affected: yes.
Comment: Missense variants in the TTN gene are considered 'unclassified' if they are not previously reported in the literature and do not have >1% frequency in the population to be considered a polymorphism. Research indicates that truncating mutations in the TTN gene are expected to account for approximately 25% of familial and 18% of sporadic idiopathic DCM; however, truncating variants in the TTN gene have been reported in approximately 3% of reported control alleles. There has been little investigation into non-truncating variants. (Herman D et al. Truncations of titin causing dilated cardiomyopathy. N Eng J Med 366:619-628, 2012) The variant is found in DCM-CRDM panel(s).